The following is an entry in ClinVar:

NM_001394062.1(MACF1):c.20272G>A (p.Glu6758Lys)

Gene: MACF1 (microtubule actin crosslinking factor 1; plus strand). Cytogenetic location: 1p34.3.
Variant type: single nucleotide variant.
Coding change: c.20272G>A on transcript NM_001394062.1 (MANE Select); coding-DNA position 20272, G replaced by A.
Protein change: p.Glu6758Lys; replaces glutamic acid 6758 with lysine.
Molecular consequence: missense variant.
Genome position (GRCh38, 1-based): chr1:39,451,065, G>A. VCF-style: chr1-39451065-G-A. GRCh37 (hg19) VCF-style: chr1-39916737-G-A.
Other names: c.8350G>A, p.Glu2784Lys (NM_001397473.1); c.14095G>A, p.Glu4699Lys (NM_012090.5); short protein forms E2784K, E4699K, E6758K.
Identifiers: ClinVar variation 4849704 (VCV004849704.1).

ClinVar aggregate classification (germline): Uncertain significance (1 of 4 stars; one submission).

Conditions:
Lissencephaly 9 with complex brainstem malformation. Identifiers: Orphanet 572013, MedGen C5193029, MONDO:0032677, OMIM 618325.

Submission:

Diagnostics Services (NGS), CSIR - Centre For Cellular And Molecular Biology
Classification: Uncertain significance for Lissencephaly 9 with complex brainstem malformation. Last evaluated: 2026-02-23. Review status: criteria provided, single submitter. Criteria: ACMG Guidelines, 2015. Collection method: clinical testing. Allele origin: germline. Affected: yes. Observed: 1 variant allele, 1 heterozygote.
Comment: The c.14095G>A variant is not present in publicly available population databases like 1000 Genomes, EVS, gnomAD, Indian Exome Database or our internal database. This variant has neither been reported in the literature in individuals affected with MACF1-related conditions nor reported to the clinical databases like Human Genome Mutation Database (HGMD), ClinVar or OMIM in any affected individuals. In-silico pathogenicity prediction programs like SIFT, Polyphen-2, MutationTaster2, CADD, etc predicted this variant to be likely deleterious however these predictions were not confirmed by published functional studies.